The following is an entry in ClinVar:

ClinVar aggregate classification (germline): Conflicting classifications of pathogenicity. Review status: criteria provided, conflicting classifications (1 of 4 stars). 5 submissions from 5 submitters: Uncertain significance (4); Likely benign (1). Last evaluated 2025-09-15.

Conditions:
Cardiovascular phenotype. Identifiers: MedGen CN230736.
Left ventricular noncompaction 10 (LVNC10). Identifiers: Orphanet 154, Orphanet 54260, MedGen C3715165, MONDO:0014163, OMIM 615396.
Hypertrophic cardiomyopathy 4. Also called: Familial hypertrophic cardiomyopathy 4. Identifiers: MedGen C1861862, MONDO:0007268, OMIM 115197.
Cardiomyopathy (CMYO). Also called: Cardiomyopathies. Identifiers: Orphanet 167848, MedGen C0878544, MONDO:0004994, HP:0001638. Inheritance: Various modes of inheritance.
Hypertrophic cardiomyopathy. Also called: HYPERTROPHIC MYOCARDIOPATHY. Identifiers: Orphanet 217569, MedGen C0007194, MeSH D002312, MONDO:0005045, HP:0001639.

Allele frequency attached by ClinVar (database versions not stated): TOPMed below 0.00001; gnomAD 0.00001; gnomAD exomes 0.00003; ExAC 0.00004; 1000 Genomes Project 30x 0.00016; 1000 Genomes Project 0.00020.
gnomAD v4.1: 50 of 1,600,128 alleles (0.0031%); highest among the groups gnomAD compares: Non-Finnish European, 0.0038%; no homozygotes.

Submissions (5):

Labcorp Genetics (formerly Invitae), Labcorp
Classification: Uncertain significance for Hypertrophic cardiomyopathy. Last evaluated: 2025-09-15. Review status: criteria provided, single submitter. Criteria: Invitae Variant Classification Sherloc (09022015). Collection method: clinical testing. Allele origin: germline.
Comment: This sequence change replaces arginine, which is basic and polar, with glutamine, which is neutral and polar, at codon 63 of the MYBPC3 protein (p.Arg63Gln). This variant is present in population databases (rs549239819, gnomAD 0.004%). This missense change has been observed in individual(s) with clinical features of MYBPC3-related conditions (PMID: 27532257, 33782553, 37652022, 37937776). ClinVar contains an entry for this variant (Variation ID: 188522). An algorithm developed to predict the effect of missense changes on protein structure and function (PolyPhen-2) suggests that this variant is likely to be tolerated. In summary, the available evidence is currently insufficient to determine the role of this variant in disease. Therefore, it has been classified as a Variant of Uncertain Significance.

All of Us Research Program, National Institutes of Health
Classification: Uncertain significance for Hypertrophic cardiomyopathy. Last evaluated: 2024-08-06. Review status: criteria provided, single submitter. Criteria: ACMG Guidelines, 2015. Collection method: clinical testing. Allele origin: germline. Inheritance: Autosomal dominant inheritance. Observed: 11 variant alleles, 11 heterozygotes.
Comment: This missense variant replaces arginine with glutamine at codon 63 of the MYBPC3 protein. Computational prediction suggests that this variant may not impact protein structure and function (internally defined REVEL score threshold <= 0.5, PMID: 27666373). To our knowledge, functional studies have not been reported for this variant. This variant has been reported in an individual affected with hypertrophic cardiomyopathy (PMID: 27532257). This variant has been identified in 6/225406 chromosomes in the general population by the Genome Aggregation Database (gnomAD). The available evidence is insufficient to determine the role of this variant in disease conclusively. Therefore, this variant is classified as a Variant of Uncertain Significance.

This study involves interpretation of variants in research participants for the purpose of population health screening. Participant phenotype was not available at the time of variant classification. Additional details can be found in publication PMID: 35346344, PMCID: PMC8962531

Color Diagnostics, LLC DBA Color Health
Classification: Uncertain significance for Cardiomyopathy. Last evaluated: 2024-06-04. Review status: criteria provided, single submitter. Criteria: ACMG Guidelines, 2015. Collection method: clinical testing. Allele origin: germline.
Comment: This missense variant replaces arginine with glutamine at codon 63 of the MYBPC3 protein. Computational prediction tools indicate that this variant has a neutral impact on protein structure and function. To our knowledge, functional studies have not been reported for this variant. This variant has been reported in at least one individual affected with hypertrophic cardiomyopathy (PMID: 27532257, 32841044, 33495597, 33782553). This variant has been identified in 6/225406 chromosomes in the general population by the Genome Aggregation Database (gnomAD). The available evidence is insufficient to determine the role of this variant in disease conclusively. Therefore, this variant is classified as a Variant of Uncertain Significance.

Ambry Genetics
Classification: Likely benign for Cardiovascular phenotype. Last evaluated: 2023-12-12. Review status: criteria provided, single submitter. Criteria: Ambry Variant Classification Scheme 2023. Collection method: clinical testing. Allele origin: germline.

Fulgent Genetics
Classification: Uncertain significance for Hypertrophic cardiomyopathy 4; Left ventricular noncompaction 10. Last evaluated: 2021-08-20. Review status: criteria provided, single submitter. Criteria: ACMG Guidelines, 2015. Collection method: clinical testing. Allele origin: unknown.

Literature cited by the submitters: PubMed 27532257 (cited by 4 submitters); PubMed 33782553 (cited by Labcorp Genetics (formerly Invitae), Labcorp and Color Diagnostics, LLC DBA Color Health); PubMed 37652022 (cited by Labcorp Genetics (formerly Invitae), Labcorp); PubMed 37937776 (cited by Labcorp Genetics (formerly Invitae), Labcorp); PubMed 32841044 (cited by Color Diagnostics, LLC DBA Color Health); PubMed 33495597 (cited by Color Diagnostics, LLC DBA Color Health).

NM_000256.3(MYBPC3):c.188G>A (p.Arg63Gln)

Gene: MYBPC3 (myosin binding protein C3; minus strand). Cytogenetic location: 11p11.2.
Variant type: single nucleotide variant.
Coding change: c.188G>A on transcript NM_000256.3 (MANE Select); coding-DNA position 188, G replaced by A.
Protein change: p.Arg63Gln; replaces arginine 63 with glutamine.
Molecular consequence: missense variant.
Genome position (GRCh38, 1-based): chr11:47,351,343, C>T on the plus strand (G>A on the coding strand, the complement: MYBPC3 is on the minus strand). VCF-style: chr11-47351343-C-T. GRCh37 (hg19) VCF-style: chr11-47372894-C-T.
Other names: short protein forms R63Q.
Identifiers: ClinVar variation 188522 (VCV000188522.19), dbSNP rs549239819, ClinGen allele CA011393.